The following is an entry in ClinVar:

NM_003738.5(PTCH2):c.229A>G (p.Ile77Val)

Gene: PTCH2 (patched 2; minus strand). Cytogenetic location: 1p34.1.
Variant type: single nucleotide variant.
Coding change: c.229A>G on transcript NM_003738.5 (MANE Select); coding-DNA position 229, A replaced by G.
Protein change: p.Ile77Val; replaces isoleucine 77 with valine.
Molecular consequence: missense variant.
Genome position (GRCh38, 1-based): chr1:44,841,883, T>C on the plus strand (A>G on the coding strand, the complement: PTCH2 is on the minus strand). VCF-style: chr1-44841883-T-C. GRCh37 (hg19) VCF-style: chr1-45307555-T-C.
Other names: c.229A>G, p.Ile77Val (NM_001166292.2); short protein forms I77V.
Identifiers: ClinVar variation 453932 (VCV000453932.10), dbSNP rs774219740, ClinGen allele CA823717.

ClinVar aggregate classification (germline): Uncertain significance. Review status: criteria provided, multiple submitters, no conflicts (2 of 4 stars). 2 submissions from 2 submitters: Uncertain significance (2). Last evaluated 2022-09-10.

Conditions:
Gorlin syndrome. Also called: Basal cell nevus syndrome; Nevoid Basal Cell Carcinoma Syndrome. Identifiers: Orphanet 377, MedGen C0004779, MONDO:0007187.

Allele frequency attached by ClinVar (database versions not stated): TOPMed below 0.00001; ExAC 0.00001; gnomAD exomes 0.00001 and 0.00002; gnomAD 0.00003.
gnomAD v4.1: 34 of 1,614,200 alleles (0.0021%); highest among the groups gnomAD compares: Non-Finnish European, 0.0026%; no homozygotes.

Submissions (2):

Labcorp Genetics (formerly Invitae), Labcorp
Classification: Uncertain significance for Gorlin syndrome. Last evaluated: 2022-09-10. Review status: criteria provided, single submitter. Criteria: Invitae Variant Classification Sherloc (09022015). Collection method: clinical testing. Allele origin: germline.
Comment: In summary, the available evidence is currently insufficient to determine the role of this variant in disease. Therefore, it has been classified as a Variant of Uncertain Significance. Advanced modeling of protein sequence and biophysical properties (such as structural, functional, and spatial information, amino acid conservation, physicochemical variation, residue mobility, and thermodynamic stability) performed at Invitae indicates that this missense variant is not expected to disrupt PTCH2 protein function. ClinVar contains an entry for this variant (Variation ID: 453932). This variant has not been reported in the literature in individuals affected with PTCH2-related conditions. This variant is present in population databases (rs774219740, gnomAD 0.002%). This sequence change replaces isoleucine, which is neutral and non-polar, with valine, which is neutral and non-polar, at codon 77 of the PTCH2 protein (p.Ile77Val).

Ambry Genetics
Classification: Uncertain significance. Last evaluated: 2022-08-16. Review status: criteria provided, single submitter. Criteria: Ambry Variant Classification Scheme 2023. Collection method: clinical testing. Allele origin: germline.